The following is an entry in ClinVar:

NM_000218.3(KCNQ1):c.817C>A (p.Leu273Ile)

Gene: KCNQ1 (potassium voltage-gated channel subfamily Q member 1; plus strand). Cytogenetic location: 11p15.5.
Variant type: single nucleotide variant.
Coding change: c.817C>A on transcript NM_000218.3 (MANE Select); coding-DNA position 817, C replaced by A.
Protein change: p.Leu273Ile; replaces leucine 273 with isoleucine.
Molecular consequence: missense variant. On other transcripts: intron variant (1).
Genome position (GRCh38, 1-based): chr11:2,572,882, C>A. VCF-style: chr11-2572882-C-A. GRCh37 (hg19) VCF-style: chr11-2594112-C-A.
Other names: c.817C>A, p.Leu273Ile (NM_001406836.1); c.547C>A, p.Leu183Ile (NM_001406837.1); c.436C>A, p.Leu146Ile (NM_181798.2); c.478-10553C>A (NM_001406838.1); short protein forms L146I, L183I, L273I.
Identifiers: ClinVar variation 2574013 (VCV002574013.3), dbSNP rs120074180, ClinGen allele CA379131383.
Genomic context (GRCh38, chr11:2,572,882, plus strand): 5'-GACACTGTGTGTTTTCTGGCCTAGGAGCTGATAACCACCCTGTACATCGGCTTCCTGGGC[C>A]TCATCTTCTCCTCGTACTTTGTGTACCTGGCTGAGAAGGACGCGGTGAACGAGTCAGGCC-3'
Protein context (NP_000209.2, residues 263-283): ITTLYIGFLG[Leu273Ile]IFSSYFVYLA

ClinVar aggregate classification (germline): Likely pathogenic (1 of 4 stars; one submission).

Conditions:
Long QT syndrome (LQTS). Identifiers: MedGen C0023976, MeSH D008133, MONDO:0002442. Disease mechanism: loss of function. Inheritance: Various modes of inheritance.

Submission:

Dept of Medical Biology, Uskudar University
Classification: Likely pathogenic for Long QT syndrome. Last evaluated: 2024-01-08. Review status: criteria provided, single submitter. Criteria: Dept of Medical Biology Variant Classification. Collection method: research. Allele origin: maternal. Affected: yes. Observed: 1 variant allele.
Comment: Criteria: PM1_Strong, PM2, PP3